The following is an entry in ClinVar:

NM_001122630.2(CDKN1C):c.213G>A (p.Val71=)

Gene: CDKN1C (cyclin dependent kinase inhibitor 1C; minus strand). Cytogenetic location: 11p15.4.
Variant type: single nucleotide variant.
Coding change: c.213G>A on transcript NM_001122630.2 (MANE Select); coding-DNA position 213, G replaced by A.
Protein change: p.Val71=; no amino-acid change (valine 71 retained).
Molecular consequence: synonymous variant.
Genome position (GRCh38, 1-based): chr11:2,885,244, C>T on the plus strand (G>A on the coding strand, the complement: CDKN1C is on the minus strand). VCF-style: chr11-2885244-C-T. GRCh37 (hg19) VCF-style: chr11-2906474-C-T.
Other names: c.246G>A, p.Val82= (LRG_533t1, NM_000076.2, NM_001362474.2); c.213G>A, p.Val71= (NM_001122631.2, NM_001362475.2).
Identifiers: ClinVar variation 412852 (VCV000412852.16), dbSNP rs141005361, ClinGen allele CA5822221.
Genomic context (GRCh38, chr11:2,885,244, plus strand): 5'-CAGGCGGCAGCGCCCCACCTGCACCGTCTCGCGGTAGAACGCGGGCACCGAGTCGCTGTC[C>T]ACTTCGGTCCACTGCAGGCGTCCAGGGCCCCGCAGCGGCATGTCCTGCTGGAAGTCGTAA-3'
Protein context (NP_001116102.1, residues 61-81): RGPGRLQWTE[Val71=]DSDSVPAFYR

ClinVar aggregate classification (germline): Likely benign. Review status: criteria provided, multiple submitters, no conflicts (2 of 4 stars). 4 submissions from 4 submitters: Likely benign (3). 1 of the submissions does not count toward it. Last evaluated 2025-10-24.

Conditions:
CDKN1C-related disorder. Also called: CDKN1C-related condition.
Beckwith-Wiedemann syndrome (BWS). Also called: EMG SYNDROME; Exomphalos macroglossia gigantism syndrome. Identifiers: Orphanet 116, MedGen C0004903, MONDO:0007534, OMIM 130650.
IMAGe syndrome. Also called: Intrauterine growth retardation, metaphyseal dysplasia, adrenal hypoplasia congenita, and genital anomalies; Intrauterine Growth Restriction, Metaphyseal Dysplasia, Adrenal Hypoplasia Congenita, and Genital Anomalies. Identifiers: Orphanet 85173, MedGen C1846009, MONDO:0013873, OMIM 614732.

Allele frequency attached by ClinVar (database versions not stated): gnomAD exomes 0.00002 and 0.00004; ExAC 0.00017; gnomAD 0.00025 and 0.00026; TOPMed 0.00026; ESP Exome Variant Server 0.00039.
gnomAD v4.1: 64 of 1,559,282 alleles (0.0041%); highest among the groups gnomAD compares: African/African-American, 0.076%; no homozygotes.

Submissions (4):

Labcorp Genetics (formerly Invitae), Labcorp
Classification: Likely benign for Beckwith-Wiedemann syndrome. Last evaluated: 2025-10-24. Review status: criteria provided, single submitter. Criteria: Invitae Variant Classification Sherloc (09022015). Collection method: clinical testing. Allele origin: germline.

Blueprint Genetics
Classification: Likely benign. Last evaluated: 2024-07-19. Review status: criteria provided, single submitter. Criteria: ACMG Guidelines, 2015. Collection method: clinical testing. Allele origin: germline.

Fulgent Genetics
Classification: Likely benign for Beckwith-Wiedemann syndrome; IMAGe syndrome. Last evaluated: 2022-02-11. Review status: criteria provided, single submitter. Criteria: ACMG Guidelines, 2015. Collection method: clinical testing. Allele origin: unknown.

PreventionGenetics, part of Exact Sciences
Classification: Likely benign for CDKN1C-related condition. Last evaluated: 2021-12-10. Review status: no assertion criteria provided. Collection method: clinical testing. Allele origin: germline. Not counted in ClinVar's aggregate classification.
Comment: This variant is classified as likely benign based on ACMG/AMP sequence variant interpretation guidelines (Richards et al. 2015 PMID: 25741868, with internal and published modifications).